The following is an entry in ClinVar:

ClinVar aggregate classification (germline): Uncertain significance (1 of 4 stars; one submission).

Conditions:
3-methylglutaconic aciduria, type VIIB (MGCA7B). Also called: 3-methylglutaconic aciduria with cataracts, neurologic involvement and neutropenia; 3-methylglutaconic aciduria, type VII, with cataracts, neurologic involvement and neutropenia; CLPB Deficiency. Identifiers: Orphanet 445038, MedGen C5676893, MONDO:0014561, OMIM 616271.

Allele frequency attached by ClinVar (database versions not stated): gnomAD 0.00002; gnomAD exomes below 0.00001; TOPMed below 0.00001.
gnomAD v4.1: 5 of 1,612,416 alleles (0.00031%); highest among the groups gnomAD compares: African/African-American, 0.0067%; no homozygotes.

Submission:

Labcorp Genetics (formerly Invitae), Labcorp
Classification: Uncertain significance for 3-methylglutaconic aciduria, type VIIB. Last evaluated: 2025-11-04. Review status: criteria provided, single submitter. Criteria: Invitae Variant Classification Sherloc (09022015). Collection method: clinical testing. Allele origin: germline.
Comment: This sequence change replaces leucine, which is neutral and non-polar, with valine, which is neutral and non-polar, at codon 343 of the CLPB protein (p.Leu343Val). The frequency data for this variant in the population databases is considered unreliable, as metrics indicate poor data quality at this position in the gnomAD database. This variant has not been reported in the literature in individuals affected with CLPB-related conditions. ClinVar contains an entry for this variant (Variation ID: 1981789). An algorithm developed to predict the effect of missense changes on protein structure and function (PolyPhen-2) suggests that this variant is likely to be disruptive. In summary, the available evidence is currently insufficient to determine the role of this variant in disease. Therefore, it has been classified as a Variant of Uncertain Significance.

NM_001258392.3(CLPB):c.937C>G (p.Leu313Val)

Gene: CLPB (ClpB family mitochondrial disaggregase; minus strand). Cytogenetic location: 11q13.4.
Variant type: single nucleotide variant.
Coding change: c.937C>G on transcript NM_001258392.3 (MANE Select); coding-DNA position 937, C replaced by G.
Protein change: p.Leu313Val; replaces leucine 313 with valine.
Molecular consequence: missense variant.
Genome position (GRCh38, 1-based): chr11:72,317,157, G>C on the plus strand (C>G on the coding strand, the complement: CLPB is on the minus strand). VCF-style: chr11-72317157-G-C. GRCh37 (hg19) VCF-style: chr11-72028201-G-C.
Other names: c.850C>G, p.Leu284Val (NM_001258393.3); c.892C>G, p.Leu298Val (NM_001258394.3); c.1027C>G, p.Leu343Val (NM_030813.6); short protein forms L343V, L313V, L284V, L298V.
Identifiers: ClinVar variation 1981789 (VCV001981789.4), dbSNP rs1412765277, ClinGen allele CA381738351.
Genomic context (GRCh38, chr11:72,317,157, plus strand): 5'-CACACTCACCAGCACCCACTGTGGCGATGGCGCTCTCCTGGCCAATGATGTGCTCCTTTA[G>C]TCGCTGCTCCAGGGGGAAGCGGCGCCGCTCCTCAGCCTCACGCTTCCGCTGCTTCTCTTG-3'
Protein context (NP_001245321.1, residues 303-323): ERRRFPLEQR[Leu313Val]KEHIIGQESA